The following is an entry in ClinVar:

ClinVar aggregate classification (germline): Uncertain significance. Review status: criteria provided, multiple submitters, no conflicts (2 of 4 stars). 2 submissions from 2 submitters: Uncertain significance (2). Last evaluated 2024-10-23.

Conditions:
Charcot-Marie-Tooth disease type 2. Also called: Charcot-Marie-Tooth type 2. Identifiers: Orphanet 64746, MedGen C0270914, MONDO:0018993.

Allele frequency attached by ClinVar (database versions not stated): TOPMed 0.00002; gnomAD 0.00003.
gnomAD v4.1: 6 of 1,614,068 alleles (0.00037%); highest among the groups gnomAD compares: African/African-American, 0.0067%; no homozygotes.

Submissions (2):

Labcorp Genetics (formerly Invitae), Labcorp
Classification: Uncertain significance for Charcot-Marie-Tooth disease type 2. Last evaluated: 2024-10-23. Review status: criteria provided, single submitter. Criteria: Invitae Variant Classification Sherloc (09022015). Collection method: clinical testing. Allele origin: germline.
Comment: This sequence change replaces lysine, which is basic and polar, with arginine, which is basic and polar, at codon 1203 of the KIF1B protein (p.Lys1203Arg). This variant is present in population databases (no rsID available, gnomAD 0.007%). This variant has not been reported in the literature in individuals affected with KIF1B-related conditions. ClinVar contains an entry for this variant (Variation ID: 1733174). An algorithm developed to predict the effect of missense changes on protein structure and function (PolyPhen-2) suggests that this variant is likely to be tolerated. Algorithms developed to predict the effect of sequence changes on RNA splicing suggest that this variant may disrupt the consensus splice site. In summary, the available evidence is currently insufficient to determine the role of this variant in disease. Therefore, it has been classified as a Variant of Uncertain Significance.

Ambry Genetics
Classification: Uncertain significance. Last evaluated: 2024-03-25. Review status: criteria provided, single submitter. Criteria: Ambry Variant Classification Scheme 2023. Collection method: clinical testing. Allele origin: germline.
Comment: The p.K1203R variant (also known as c.3608A>G), located in coding exon 32 of the KIF1B gene, results from an A to G substitution at nucleotide position 3608. The lysine at codon 1203 is replaced by arginine, an amino acid with highly similar properties. This amino acid position is conserved. In addition, the in silico prediction for this alteration is inconclusive. Since supporting evidence is limited at this time, the clinical significance of this alteration remains unclear.

NM_001365951.3(KIF1B):c.3746A>G (p.Lys1249Arg)

Gene: KIF1B (kinesin family member 1B; plus strand). Cytogenetic location: 1p36.22.
Variant type: single nucleotide variant.
Coding change: c.3746A>G on transcript NM_001365951.3 (MANE Select); coding-DNA position 3746, A replaced by G.
Protein change: p.Lys1249Arg; replaces lysine 1249 with arginine.
Molecular consequence: missense variant.
Genome position (GRCh38, 1-based): chr1:10,345,902, A>G. VCF-style: chr1-10345902-A-G. GRCh37 (hg19) VCF-style: chr1-10405960-A-G.
Other names: c.3746A>G, p.Lys1249Arg (NM_001365952.1); c.3608A>G, p.Lys1203Arg (NM_015074.3); short protein forms K1249R, K1203R.
Identifiers: ClinVar variation 1733174 (VCV001733174.4), dbSNP rs1450941304, ClinGen allele CA338342457.
Genomic context (GRCh38, chr1:10,345,902, plus strand): 5'-AAGTTCCAGCCACCAAGTTAAACACGATGAGCAAAACCAGCCTTGGCCAGAGCATGAGCA[A>G]GTATGACCTCCTGGTTTGGTTTGAGATCAGTGAACTGGAGCCTACAGGAGAGTAAGTCCA-3'
Protein context (NP_001352880.1, residues 1239-1259): SKTSLGQSMS[Lys1249Arg]YDLLVWFEIS